The following is an entry in ClinVar:

NM_080860.4(RSPH1):c.366-3C>A

Gene: RSPH1 (radial spoke head component 1; minus strand). Cytogenetic location: 21q22.3.
Variant type: single nucleotide variant.
Coding change: c.366-3C>A on transcript NM_080860.4 (MANE Select); 3 bases into the intron before coding-DNA position 366, C replaced by A.
Molecular consequence: intron variant.
Genome position (GRCh38, 1-based): chr21:42,485,807, G>T on the plus strand (C>A on the coding strand, the complement: RSPH1 is on the minus strand). VCF-style: chr21-42485807-G-T. GRCh37 (hg19) VCF-style: chr21-43905917-G-T.
Other names: IVS4AS, C-A, -3; c.252-3C>A (NM_001286506.2).
Identifiers: ClinVar variation 66988 (VCV000066988.4), dbSNP rs587777058, ClinGen allele CA144908.
Genomic context (GRCh38, chr21:42,485,807, plus strand): 5'-CCAGGTGCCAACATACTTACTGCCCGTCTCCGCGTATAAATAGGTGCCTTGCCCATGCCT[G>T]GTTAAGACAAGGGGAACATGGTATTTCGTTCCAGCACAGTGAAAAATCTCCCAGGTTTAA-3'

ClinVar aggregate classification (germline): Pathogenic. Review status: criteria provided, single submitter (1 of 4 stars). 2 submissions from 2 submitters: Pathogenic (1). 1 of the submissions does not count toward it. Last evaluated 2023-07-28.

Conditions:
Primary ciliary dyskinesia 24 (CILD24). Also called: CILIARY DYSKINESIA, PRIMARY, 24, WITHOUT SITUS INVERSUS. Identifiers: Orphanet 244, MedGen C3809634, MONDO:0014202, OMIM 615481.
Primary ciliary dyskinesia. Also called: Ciliary dyskinesia. Identifiers: Orphanet 244, MedGen C0008780, MONDO:0016575, HP:0012265.

Allele frequency attached by ClinVar (database versions not stated): gnomAD exomes 0.00002.
gnomAD v4.1: 14 of 1,614,056 alleles (0.00087%); highest among the groups gnomAD compares: Non-Finnish European, 0.0012%; no homozygotes.

Submissions (2):

Labcorp Genetics (formerly Invitae), Labcorp
Classification: Pathogenic for Primary ciliary dyskinesia. Last evaluated: 2023-07-28. Review status: criteria provided, single submitter. Criteria: Invitae Variant Classification Sherloc (09022015). Collection method: clinical testing. Allele origin: germline.
Comment: For these reasons, this variant has been classified as Pathogenic. Variants that disrupt the consensus splice site are a relatively common cause of aberrant splicing (PMID: 17576681, 9536098). Algorithms developed to predict the effect of sequence changes on RNA splicing suggest that this variant may disrupt the consensus splice site. ClinVar contains an entry for this variant (Variation ID: 66988). This variant has been observed in individual(s) with primary ciliary dyskinesia (PMID: 23993197). This variant is not present in population databases (gnomAD no frequency). This sequence change falls in intron 4 of the RSPH1 gene. It does not directly change the encoded amino acid sequence of the RSPH1 protein. It affects a nucleotide within the consensus splice site.

OMIM
Classification: Pathogenic for CILIARY DYSKINESIA, PRIMARY, 24, WITHOUT SITUS INVERSUS. Last evaluated: 2013-09-05. Review status: no assertion criteria provided. Collection method: literature only. Allele origin: germline. Not counted in ClinVar's aggregate classification.

Literature cited by the submitters: PubMed 17576681 (cited by Labcorp Genetics (formerly Invitae), Labcorp); PubMed 9536098 (cited by Labcorp Genetics (formerly Invitae), Labcorp); PubMed 23993197 (cited by Labcorp Genetics (formerly Invitae), Labcorp and OMIM).